The following is an entry in ClinVar:

ClinVar aggregate classification (germline): Uncertain significance (1 of 4 stars; one submission).

Submission:

Labcorp Genetics (formerly Invitae), Labcorp
Classification: Uncertain significance. Last evaluated: 2023-07-17. Review status: criteria provided, single submitter. Criteria: Invitae Variant Classification Sherloc (09022015). Collection method: clinical testing. Allele origin: unknown.
Comment: A copy number gain of the genomic region encompassing the full coding sequence of the RPL9 gene has been identified. The boundaries of this event are unknown as they extend beyond the assayed region for this gene and therefore may encompass additional genes. As the precise location of this event is unknown, it may be in tandem or it may be located elsewhere in the genome. This variant has not been reported in the literature in individuals affected with RPL9-related conditions. In summary, the available evidence is currently insufficient to determine the role of this variant in disease. Therefore, it has been classified as a Variant of Uncertain Significance.

NC_000004.11:g.(?_39408570)_(39478735_?)dup

Genes: KLB (klotho beta; plus strand), LIAS (lipoic acid synthetase; plus strand), RPL9 (ribosomal protein L9; minus strand). Cytogenetic location: 4p14.
Variant type: Duplication.
Identifiers: ClinVar variation 3246708 (VCV003246708.1).